The following is an entry in ClinVar:

ClinVar aggregate classification (germline): Uncertain significance (1 of 4 stars; one submission).

Submission:

GeneDx
Classification: Uncertain significance. Last evaluated: 2025-05-02. Review status: criteria provided, single submitter. Criteria: GeneDx Variant Classification Process June 2021. Collection method: clinical testing. Allele origin: germline. Affected: yes.
Comment: Not observed at significant frequency in large population cohorts (gnomAD); In silico analysis suggests that this missense variant does not alter protein structure/function; Has not been previously published as pathogenic or benign to our knowledge

NM_057175.5(NAA15):c.1498A>G (p.Lys500Glu)

Gene: NAA15 (N-alpha-acetyltransferase 15, NatA auxiliary subunit; plus strand). Cytogenetic location: 4q31.1.
Variant type: single nucleotide variant.
Coding change: c.1498A>G on transcript NM_057175.5 (MANE Select); coding-DNA position 1498, A replaced by G.
Protein change: p.Lys500Glu; replaces lysine 500 with glutamic acid.
Molecular consequence: missense variant.
Genome position (GRCh38, 1-based): chr4:139,360,587, A>G. VCF-style: chr4-139360587-A-G. GRCh37 (hg19) VCF-style: chr4-140281741-A-G.
Other names: c.1498A>G, p.Lys500Glu (NM_001410842.1); short protein forms K500E.
Identifiers: ClinVar variation 4527589 (VCV004527589.1).
Genomic context (GRCh38, chr4:139,360,587, plus strand): 5'-AATGAAATGCAGTGCATGTGGTTCCAAACAGAATGTGCCCAGGCTTATAAAGCAATGAAT[A>G]AATTTGGTGAAGCACTTAAGAAATGTCATGAGATTGAGAGAGTAAGTACCTTCTACATAA-3'
Protein context (NP_476516.1, residues 490-510): ECAQAYKAMN[Lys500Glu]FGEALKKCHE